The following is an entry in ClinVar:

ClinVar aggregate classification (germline): Likely benign. Review status: criteria provided, multiple submitters, no conflicts (2 of 4 stars). 2 submissions from 2 submitters: Likely benign (2). Last evaluated 2021-05-19.

Conditions:
ANO5-Related Muscle Diseases. Identifiers: MedGen CN180644.

Allele frequency attached by ClinVar (database versions not stated): gnomAD 0.00961 and 0.01015; TOPMed 0.01060; 1000 Genomes Project 0.01458; 1000 Genomes Project 30x 0.01483.

Submissions (2):

GeneDx
Classification: Likely benign. Last evaluated: 2021-05-19. Review status: criteria provided, single submitter. Criteria: GeneDx Variant Classification Process June 2021. Collection method: clinical testing. Allele origin: germline. Affected: yes.

Illumina Laboratory Services, Illumina
Classification: Likely benign for ANO5-Related Muscle Diseases. Last evaluated: 2017-04-28. Review status: criteria provided, single submitter. Criteria: ICSL Variant Classification Criteria 13 December 2019. Collection method: clinical testing. Allele origin: germline.
Comment: This variant was observed as part of a predisposition screen in an ostensibly healthy population. A literature search was performed for the gene, cDNA change, and amino acid change (where applicable). No publications were found based on this search. Allele frequency data from public databases allowed determination this variant is unlikely to cause disease. Therefore, this variant is classified as likely benign.

NM_213599.3(ANO5):c.*2251A>G

Gene: ANO5 (anoctamin 5; plus strand). Cytogenetic location: 11p14.3.
Variant type: single nucleotide variant.
Coding change: c.*2251A>G on transcript NM_213599.3 (MANE Select); 2251 bases downstream of the stop codon, A replaced by G.
Molecular consequence: 3 prime UTR variant.
Genome position (GRCh38, 1-based): chr11:22,282,016, A>G. VCF-style: chr11-22282016-A-G. GRCh37 (hg19) VCF-style: chr11-22303562-A-G.
Other names: c.*2251A>G (NM_001142649.2).
Identifiers: ClinVar variation 879368 (VCV000879368.5), dbSNP rs114636071, ClinGen allele CA218780757.